The following is an entry in ClinVar:

ClinVar aggregate classification (germline): Pathogenic (1 of 4 stars; one submission).

Conditions:
Fraser syndrome 3. Identifiers: MedGen C4540040, MONDO:0054739, OMIM 617667.

Submission:

Myriad Genetics, Inc.
Classification: Pathogenic for Fraser syndrome 3. Last evaluated: 2025-08-10. Review status: criteria provided, single submitter. Criteria: Myriad Autosomal Dominant, Autosomal Recessive and X-Linked Classification Criteria (2023). Collection method: clinical testing. Allele origin: unknown.
Comment: NM_021150.3(GRIP1):c.2569_2570delGA(E857Tfs*6) is expected to be pathogenic in the context of Fraser syndrome, GRIP1-related. This variant is predicted to lead to an abnormal or absent protein product due to the creation of a premature termination codon in GRIP1, a gene where loss-of-function variants are known to be pathogenic. Please note: this variant was assessed in the context of healthy population screening.

NM_001366722.1(GRIP1):c.2725_2726del (p.Glu909fs)

Gene: GRIP1 (glutamate receptor interacting protein 1; minus strand). Cytogenetic location: 12q14.3.
Variant type: Microsatellite.
Coding change: c.2725_2726del on transcript NM_001366722.1 (MANE Select); coding-DNA positions 2725 to 2726, 2 bases deleted (GA; older notation c.2725_2726delGA).
Protein change: p.Glu909fs; shifts the reading frame from glutamic acid 909.
Molecular consequence: frameshift variant.
Genome position (GRCh38, 1-based): chr12:66,377,181-66,377,182, TC deleted on the plus strand (GA on the coding strand, the reverse complement: GRIP1 is on the minus strand); deleting any 2 consecutive bases within chr12:66,377,181-66,377,186 gives the same sequence; the c. name uses the placement nearest the transcript's 3' end. VCF-style (leftmost placement, unchanged base first): chr12-66377180-TTC-T. GRCh37 (hg19) VCF-style: chr12-66770960-TTC-T.
Other names: c.2569_2570del, p.Glu857fs (NM_001178074.2, NM_001379351.1, NM_021150.4); c.2644_2645del, p.Glu882fs (NM_001366723.1, NM_001379348.1); c.2647_2648del, p.Glu883fs (NM_001366724.1, NM_001379347.1); c.2803_2804del, p.Glu935fs (NM_001379345.1); c.2725_2726del, p.Glu909fs (NM_001379346.1, NM_001439323.1); c.2572_2573del, p.Glu858fs (NM_001379349.1); c.2728_2729del, p.Glu910fs (NM_001439322.1); short protein forms E857fs, E858fs, E882fs, E883fs, E909fs, E910fs, E935fs.
Identifiers: ClinVar variation 5014847 (VCV005014847.1).